The following is an entry in ClinVar:

NM_000368.5(TSC1):c.3046G>C (p.Gly1016Arg)

Gene: TSC1 (TSC complex subunit 1; minus strand). Cytogenetic location: 9q34.13.
Variant type: single nucleotide variant.
Coding change: c.3046G>C on transcript NM_000368.5 (MANE Select); coding-DNA position 3046, G replaced by C.
Protein change: p.Gly1016Arg; replaces glycine 1016 with arginine.
Molecular consequence: missense variant. On other transcripts: non-coding transcript variant (5).
Genome position (GRCh38, 1-based): chr9:132,896,684, C>G on the plus strand (G>C on the coding strand, the complement: TSC1 is on the minus strand). VCF-style: chr9-132896684-C-G. GRCh37 (hg19) VCF-style: chr9-135772071-C-G.
Other names: c.3043G>C, p.Gly1015Arg (NM_001162426.2, NM_001406597.1, NM_001406598.1 and 2 more transcripts); c.2893G>C, p.Gly965Arg (NM_001162427.2, NM_001406610.1); c.2683G>C, p.Gly895Arg (NM_001362177.2, NM_001406614.1, NM_001406615.1 and 4 more transcripts); c.3046G>C, p.Gly1016Arg (NM_001406592.1, NM_001406593.1, NM_001406594.1 and 2 more transcripts); c.3031G>C, p.Gly1011Arg (NM_001406601.1, NM_001406602.1); c.3028G>C, p.Gly1010Arg (NM_001406603.1, NM_001406604.1); c.3004G>C, p.Gly1002Arg (NM_001406605.1, NM_001406606.1, NM_001406607.1); c.3001G>C, p.Gly1001Arg (NM_001406608.1, NM_001406609.1); and 8 more; short protein forms G1001R, G1002R, G1010R, G1011R, G1015R, G1016R, G665R, G698R.
Identifiers: ClinVar variation 2631147 (VCV002631147.2), dbSNP rs1020905743, ClinGen allele CA375367725.

ClinVar aggregate classification (germline): Uncertain significance. Review status: criteria provided, multiple submitters, no conflicts (2 of 4 stars). 2 submissions from 2 submitters: Uncertain significance (2). Last evaluated 2025-04-18.

Conditions:
Hereditary cancer-predisposing syndrome. Also called: Tumor predisposition; Neoplastic Syndromes, Hereditary; Hereditary neoplastic syndrome; Hereditary Cancer Syndrome. Identifiers: Orphanet 140162, MedGen C0027672, MeSH D009386, MONDO:0015356.
TSC1-related disorder. Also called: TSC1-related condition.

Submissions (2):

Ambry Genetics
Classification: Uncertain significance for Hereditary cancer-predisposing syndrome. Last evaluated: 2025-04-18. Review status: criteria provided, single submitter. Criteria: Ambry Variant Classification Scheme 2023. Collection method: clinical testing. Allele origin: germline.
Comment: The p.G1016R variant (also known as c.3046G>C), located in coding exon 21 of the TSC1 gene, results from a G to C substitution at nucleotide position 3046. The glycine at codon 1016 is replaced by arginine, an amino acid with dissimilar properties. This amino acid position is conserved. In addition, the in silico prediction for this alteration is inconclusive. Based on the available evidence, the clinical significance of this variant remains unclear.

PreventionGenetics, part of Exact Sciences
Classification: Uncertain significance for TSC1-related condition. Last evaluated: 2023-09-18. Review status: criteria provided, single submitter. Criteria: ACMG Guidelines, 2015. Collection method: clinical testing. Allele origin: germline.
Comment: The TSC1 c.3046G>C variant is predicted to result in the amino acid substitution p.Gly1016Arg. To our knowledge, this variant has not been reported in the literature or in a large population database, indicating this variant is rare. At this time, the clinical significance of this variant is uncertain due to the absence of conclusive functional and genetic evidence.